The following is an entry in ClinVar:

ClinVar aggregate classification (germline): Conflicting classifications of pathogenicity. Review status: criteria provided, conflicting classifications (1 of 4 stars). 5 submissions from 5 submitters: Uncertain significance (1); Benign (1); Likely benign (3). Last evaluated 2026-05-01.

Conditions:
Emery-Dreifuss muscular dystrophy 5, autosomal dominant (EDMD5). Also called: EMERY-DREIFUSS MUSCULAR DYSTROPHY 5. Identifiers: Orphanet 261, MedGen C2751805, MONDO:0013072, OMIM 612999.

Allele frequency attached by ClinVar (database versions not stated): gnomAD exomes 0.00101 and 0.00195; 1000 Genomes Project 30x 0.00109; ExAC 0.00111; 1000 Genomes Project 0.00120; gnomAD 0.00129 and 0.00133; TOPMed 0.00134; ESP Exome Variant Server 0.00185.
gnomAD v4.1: 2,985 of 1,614,210 alleles (0.18%); highest among the groups gnomAD compares: Non-Finnish European, 0.24%; 10 homozygotes.

Submissions (5):

CeGaT Center for Human Genetics Tuebingen
Classification: Likely benign. Last evaluated: 2026-05-01. Review status: criteria provided, single submitter. Criteria: CeGaT Center For Human Genetics Tuebingen Variant Classification Criteria Version 2. Collection method: clinical testing. Allele origin: germline. Affected: yes. Observed: 4 variant alleles.
Comment: SYNE2: BS2

Labcorp Genetics (formerly Invitae), Labcorp
Classification: Likely benign for Emery-Dreifuss muscular dystrophy 5, autosomal dominant. Last evaluated: 2025-12-10. Review status: criteria provided, single submitter. Criteria: Invitae Variant Classification Sherloc (09022015). Collection method: clinical testing. Allele origin: germline.

Blueprint Genetics
Classification: Likely benign. Last evaluated: 2024-11-21. Review status: criteria provided, single submitter. Criteria: ACMG Guidelines, 2015. Collection method: clinical testing. Allele origin: germline.

Illumina Laboratory Services, Illumina
Classification: Benign for Emery-Dreifuss muscular dystrophy 5, autosomal dominant. Last evaluated: 2018-01-13. Review status: criteria provided, single submitter. Criteria: ICSL Variant Classification Criteria 13 December 2019. Collection method: clinical testing. Allele origin: germline.
Comment: This variant was observed in the ICSL laboratory as part of a predisposition screen in an ostensibly healthy population. It had not been previously curated by ICSL or reported in the Human Gene Mutation Database (HGMD: prior to June 1st, 2018), and was therefore a candidate for classification through an automated scoring system. Utilizing variant allele frequency, disease prevalence and penetrance estimates, and inheritance mode, an automated score was calculated to assess if this variant is too frequent to cause the disease. Based on the score and internal cut-off values, a variant classified as benign is not then subjected to further curation. The score for this variant resulted in a classification of benign for this disease.

Eurofins Ntd Llc (ga)
Classification: Uncertain significance. Last evaluated: 2015-03-11. Review status: criteria provided, single submitter. Criteria: EGL Classification Definitions 2015. Collection method: clinical testing. Allele origin: germline. Observed: 6 variant alleles, 6 heterozygotes.

NM_182914.3(SYNE2):c.11313G>C (p.Gln3771His)

Gene: SYNE2 (spectrin repeat containing nuclear envelope protein 2; plus strand). Cytogenetic location: 14q23.2.
Variant type: single nucleotide variant.
Coding change: c.11313G>C on transcript NM_182914.3 (MANE Select); coding-DNA position 11313, G replaced by C.
Protein change: p.Gln3771His; replaces glutamine 3771 with histidine.
Molecular consequence: missense variant.
Genome position (GRCh38, 1-based): chr14:64,080,605, G>C. VCF-style: chr14-64080605-G-C. GRCh37 (hg19) VCF-style: chr14-64547323-G-C.
Other names: c.11313G>C, p.Gln3771His (NM_015180.6); short protein forms Q3771H.
Identifiers: ClinVar variation 197996 (VCV000197996.44), dbSNP rs144596211, ClinGen allele CA246452.